The following is an entry in ClinVar:

ClinVar aggregate classification (germline): Pathogenic (1 of 4 stars; one submission).

Conditions:
Hereditary cancer-predisposing syndrome. Also called: Hereditary Cancer Syndrome; Hereditary neoplastic syndrome; Neoplastic Syndromes, Hereditary; Tumor predisposition. Identifiers: Orphanet 140162, MedGen C0027672, MeSH D009386, MONDO:0015356.

Submission:

Ambry Genetics
Classification: Pathogenic for Hereditary cancer-predisposing syndrome. Last evaluated: 2018-09-11. Review status: criteria provided, single submitter. Criteria: Ambry Variant Classification Scheme 2023. Collection method: clinical testing. Allele origin: germline.
Comment: The c.1548_1549insT pathogenic mutation, located in coding exon 4 of the MSH6 gene, results from an insertion of one nucleotide at position 1548, causing a translational frameshift with a predicted alternate stop codon (p.I517Yfs*14). This alteration is expected to result in loss of function by premature protein truncation or nonsense-mediated mRNA decay. As such, this alteration is interpreted as a disease-causing mutation.

NM_000179.3(MSH6):c.1548_1549insT (p.Ile517fs)

Gene: MSH6 (mutS homolog 6; plus strand). Cytogenetic location: 2p16.3.
Variant type: Insertion.
Coding change: c.1548_1549insT on transcript NM_000179.3 (MANE Select); coding-DNA positions 1548 to 1549, T inserted.
Protein change: p.Ile517fs; shifts the reading frame from isoleucine 517.
Molecular consequence: frameshift variant.
Genome position: GRCh38 VCF-style: chr2-47799531-C-CT. GRCh37 (hg19) VCF-style: chr2-48026670-C-CT.
Other names: c.1158_1159insT, p.Ile387fs (NM_001281492.2); c.642_643insT, p.Ile215fs (NM_001281493.2, NM_001281494.2); c.1644_1645insT, p.Ile549Tyrfs (NM_001406795.1, NM_001406802.1); c.1548_1549insT, p.Ile517Tyrfs (NM_001406796.1, NM_001406798.1, NM_001406800.1 and 4 more transcripts); c.1251_1252insT, p.Ile418Tyrfs (NM_001406797.1, NM_001406801.1, NM_001406805.1 and 10 more transcripts); c.1023_1024insT, p.Ile342Tyrfs (NM_001406799.1, NM_001406806.1, NM_001406807.1); c.1470_1471insT, p.Ile491Tyrfs (NM_001406804.1); c.642_643insT, p.Ile215Tyrfs (NM_001406811.1, NM_001406812.1, NM_001406814.1 and 4 more transcripts); and 2 more; short protein forms I215fs, I387fs, I517fs.
Identifiers: ClinVar variation 1774967 (VCV001774967.2), dbSNP rs2530615475, ClinGen allele CA2580067640.
Genomic context (GRCh38, chr2:47,799,531, plus strand): 5'-TAGAAAGATGGCACATATATCCAAGTATGATAGAGTGGTGAGGAGGGAGATCTGTAGGAT[C>CT]ATTACCAAGGGTACACAGACTTACAGTGTGCTGGAAGGTGATCCCTCTGAGAACTACAGT-3'